The following is an entry in ClinVar:

NM_005188.4(CBL):c.1268T>C (p.Ile423Thr)

Gene: CBL (Cbl proto-oncogene; plus strand). Cytogenetic location: 11q23.3.
Variant type: single nucleotide variant.
Coding change: c.1268T>C on transcript NM_005188.4 (MANE Select); coding-DNA position 1268, T replaced by C.
Protein change: p.Ile423Thr; replaces isoleucine 423 with threonine.
Molecular consequence: missense variant.
Genome position (GRCh38, 1-based): chr11:119,278,550, T>C. VCF-style: chr11-119278550-T-C. GRCh37 (hg19) VCF-style: chr11-119149260-T-C.
Other names: short protein forms I423T.
Identifiers: ClinVar variation 4800613 (VCV004800613.1).

ClinVar aggregate classification (germline): Uncertain significance (1 of 4 stars; one submission).

Conditions:
RASopathy. Also called: rasopathies; Noonan spectrum disorder. Identifiers: Orphanet 536391, MedGen C5555857, MONDO:0021060.

Submission:

Labcorp Genetics (formerly Invitae), Labcorp
Classification: Uncertain significance for RASopathy. Last evaluated: 2025-03-19. Review status: criteria provided, single submitter. Criteria: Invitae Variant Classification Sherloc (09022015). Collection method: clinical testing. Allele origin: germline.
Comment: This sequence change replaces isoleucine, which is neutral and non-polar, with threonine, which is neutral and polar, at codon 423 of the CBL protein (p.Ile423Thr). This variant is not present in population databases (gnomAD no frequency). This variant has not been reported in the literature in individuals affected with CBL-related conditions. Invitae Evidence Modeling of protein sequence and biophysical properties (such as structural, functional, and spatial information, amino acid conservation, physicochemical variation, residue mobility, and thermodynamic stability) indicates that this missense variant is expected to disrupt CBL protein function with a positive predictive value of 95%. In summary, the available evidence is currently insufficient to determine the role of this variant in disease. Therefore, it has been classified as a Variant of Uncertain Significance.